The following is an entry in ClinVar:

NM_001165963.4(SCN1A):c.377T>C (p.Val126Ala)

Gene: SCN1A (sodium voltage-gated channel alpha subunit 1; minus strand). Cytogenetic location: 2q24.3.
Variant type: single nucleotide variant.
Coding change: c.377T>C on transcript NM_001165963.4 (MANE Select); coding-DNA position 377, T replaced by C.
Protein change: p.Val126Ala; replaces valine 126 with alanine.
Molecular consequence: missense variant. On other transcripts: 5 prime UTR variant (1), non-coding transcript variant (1).
Genome position (GRCh38, 1-based): chr2:166,058,576, A>G on the plus strand (T>C on the coding strand, the complement: SCN1A is on the minus strand). VCF-style: chr2-166058576-A-G. GRCh37 (hg19) VCF-style: chr2-166915086-A-G.
Other names: c.377T>C, p.Val126Ala (NM_001165964.3, NM_001202435.3, NM_001353948.2 and 10 more transcripts); c.-2049T>C (NM_001353961.2); short protein forms V126A.
Identifiers: ClinVar variation 848680 (VCV000848680.10), dbSNP rs1699350522, ClinGen allele CA349076768.

ClinVar aggregate classification (germline): Uncertain significance (1 of 4 stars; one submission).

Conditions:
Early-infantile DEE. Also called: Ohtahara syndrome; Early infantile epileptic encephalopathy with suppression bursts; Early infantile epileptic encephalopathy. Identifiers: Orphanet 1934, MedGen C0393706, MONDO:0800491.

Submission:

Labcorp Genetics (formerly Invitae), Labcorp
Classification: Uncertain significance for Early-infantile DEE. Last evaluated: 2020-07-14. Review status: criteria provided, single submitter. Criteria: Invitae Variant Classification Sherloc (09022015). Collection method: clinical testing. Allele origin: germline.
Comment: This sequence change replaces valine with alanine at codon 126 of the SCN1A protein (p.Val126Ala). The valine residue is highly conserved and there is a small physicochemical difference between valine and alanine. This variant is not present in population databases (ExAC no frequency). Algorithms developed to predict the effect of missense changes on protein structure and function are either unavailable or do not agree on the potential impact of this missense change (SIFT: "Deleterious"; PolyPhen-2: "Benign"; Align-GVGD: "Class C55"). In summary, the available evidence is currently insufficient to determine the role of this variant in disease. Therefore, it has been classified as a Variant of Uncertain Significance.